The following is an entry in ClinVar:

ClinVar aggregate classification (germline): Uncertain significance (1 of 4 stars; one submission).

Conditions:
Dyskeratosis congenita. Identifiers: Orphanet 1775, MedGen C0265965, MONDO:0015780.

Submission:

Ambry Genetics
Classification: Uncertain significance for Dyskeratosis congenita. Last evaluated: 2024-07-31. Review status: criteria provided, single submitter. Criteria: Ambry Variant Classification Scheme 2023. Collection method: clinical testing. Allele origin: germline.
Comment: The p.F494L variant (also known as c.1480T>C), located in coding exon 2 of the TERT gene, results from a T to C substitution at nucleotide position 1480. The phenylalanine at codon 494 is replaced by leucine, an amino acid with highly similar properties. This amino acid position is conserved. In addition, the in silico prediction for this alteration is inconclusive. Based on the available evidence, the clinical significance of this variant remains unclear.

NM_198253.3(TERT):c.1480T>C (p.Phe494Leu)

Gene: TERT (telomerase reverse transcriptase; minus strand). Cytogenetic location: 5p15.33.
Variant type: single nucleotide variant.
Coding change: c.1480T>C on transcript NM_198253.3 (MANE Select); coding-DNA position 1480, T replaced by C.
Protein change: p.Phe494Leu; replaces phenylalanine 494 with leucine.
Molecular consequence: missense variant. On other transcripts: non-coding transcript variant (2).
Genome position (GRCh38, 1-based): chr5:1,293,406, A>G on the plus strand (T>C on the coding strand, the complement: TERT is on the minus strand). VCF-style: chr5-1293406-A-G. GRCh37 (hg19) VCF-style: chr5-1293521-A-G.
Other names: c.1480T>C, p.Phe494Leu (NM_001193376.3); short protein forms F494L.
Identifiers: ClinVar variation 3455169 (VCV003455169.1).